The following is an entry in ClinVar:

NM_020987.5(ANK3):c.2534A>C (p.Asp845Ala)

Gene: ANK3 (ankyrin 3; minus strand). Cytogenetic location: 10q21.2.
Variant type: single nucleotide variant.
Coding change: c.2534A>C on transcript NM_020987.5 (MANE Select); coding-DNA position 2534, A replaced by C.
Protein change: p.Asp845Ala; replaces aspartic acid 845 with alanine.
Molecular consequence: missense variant.
Genome position (GRCh38, 1-based): chr10:60,166,841, T>G on the plus strand (A>C on the coding strand, the complement: ANK3 is on the minus strand). VCF-style: chr10-60166841-T-G. GRCh37 (hg19) VCF-style: chr10-61926599-T-G.
Other names: c.2516A>C, p.Asp839Ala (NM_001204403.2); c.2483A>C, p.Asp828Ala (NM_001204404.2); c.2534A>C, p.Asp845Ala (NM_001320874.2); short protein forms D828A, D839A, D845A.
Identifiers: ClinVar variation 1424689 (VCV001424689.6), dbSNP rs2132296401, ClinGen allele CA376983155.

ClinVar aggregate classification (germline): Uncertain significance (1 of 4 stars; one submission).

Submission:

Labcorp Genetics (formerly Invitae), Labcorp
Classification: Uncertain significance. Last evaluated: 2022-03-18. Review status: criteria provided, single submitter. Criteria: Invitae Variant Classification Sherloc (09022015). Collection method: clinical testing. Allele origin: germline.
Comment: This sequence change replaces aspartic acid, which is acidic and polar, with alanine, which is neutral and non-polar, at codon 845 of the ANK3 protein (p.Asp845Ala). This variant is not present in population databases (gnomAD no frequency). This variant has not been reported in the literature in individuals affected with ANK3-related conditions. Algorithms developed to predict the effect of missense changes on protein structure and function are either unavailable or do not agree on the potential impact of this missense change (SIFT: "Not Available"; PolyPhen-2: "Probably Damaging"; Align-GVGD: "Not Available"). In summary, the available evidence is currently insufficient to determine the role of this variant in disease. Therefore, it has been classified as a Variant of Uncertain Significance.